The following is an entry in ClinVar:

ClinVar aggregate classification (germline): Uncertain significance (1 of 4 stars; one submission).

Allele frequency attached by ClinVar (database versions not stated): TOPMed 0.00002; gnomAD 0.00004; ExAC 0.00003; gnomAD exomes 0.00005.
gnomAD v4.1: 79 of 1,614,196 alleles (0.0049%); highest among the groups gnomAD compares: Middle Eastern, 0.049%; no homozygotes.

Submission:

Ambry Genetics
Classification: Uncertain significance. Last evaluated: 2026-08-23. Review status: criteria provided, single submitter. Criteria: Ambry Variant Classification Scheme 2023. Collection method: clinical testing. Allele origin: germline.
Comment: The c.505T>C (p.Y169H) alteration is located in exon 4 (coding exon 4) of the CNTROB gene. This alteration results from a T to C substitution at nucleotide position 505, causing the tyrosine (Y) at amino acid position 169 to be replaced by a histidine (H). Based on data from gnomAD, the C allele has an overall frequency of 0.003% (8/282826) total alleles studied. The highest observed frequency was 0.014% (1/7220) of Other alleles. Based on insufficient or conflicting evidence, the clinical significance of this alteration remains unclear.

NM_053051.5(CNTROB):c.505T>C (p.Tyr169His)

Gene: CNTROB (centrobin, centriole duplication and spindle assembly protein; plus strand). Cytogenetic location: 17p13.1.
Variant type: single nucleotide variant.
Coding change: c.505T>C on transcript NM_053051.5 (MANE Select); coding-DNA position 505, T replaced by C.
Protein change: p.Tyr169His; replaces tyrosine 169 with histidine.
Molecular consequence: missense variant. On other transcripts: 5 prime UTR variant (1).
Genome position (GRCh38, 1-based): chr17:7,935,056, T>C. VCF-style: chr17-7935056-T-C. GRCh37 (hg19) VCF-style: chr17-7838374-T-C.
Other names: c.505T>C, p.Tyr169His (NM_001037144.7, NM_001330124.3, NM_001353202.2 and 5 more transcripts); c.-182T>C (NM_001353204.2); c.238T>C, p.Tyr80His (NM_001353205.2); short protein forms Y169H, Y80H.
Identifiers: ClinVar variation 2590177 (VCV002590177.3), dbSNP rs779360762, ClinGen allele CA8364705.
Genomic context (GRCh38, chr17:7,935,056, plus strand): 5'-CCCCTGCAAGACTTGTCTCCATCTAGCTCAGCCCAAGCCCTGGAGGAGCTGTTTCCCCGC[T>C]ACACCAGCCTTCGGCCAGGGCCTCCACTCAATCCCCCAGATTTTCAGGGGCTGAGAGATG-3'
Protein context (NP_444279.2, residues 159-179): AQALEELFPR[Tyr169His]TSLRPGPPLN